The following is an entry in ClinVar:

NM_004484.4(GPC3):c.1161AAG[1] (p.Arg389del)

Gene: GPC3 (glypican 3; minus strand). Cytogenetic location: Xq26.2.
Variant type: Microsatellite.
Coding change: c.1161AAG[1] on transcript NM_004484.4 (MANE Select); one copy of the 3-base unit AAG starting at c.1161; the reference has two copies in a row; one copy, 3 bases deleted.
Protein change: p.Arg389del; deletes arginine 389.
Molecular consequence: inframe deletion.
Genome position (GRCh38, 1-based): chrX:133,699,895-133,699,897, CTT deleted on the plus strand (AAG on the coding strand, the reverse complement: GPC3 is on the minus strand); deleting any 3 consecutive bases within chrX:133,699,895-133,699,901 gives the same sequence; the position shown is the placement nearest the transcript's 3' end. VCF-style (leftmost placement, unchanged base first): chrX-133699894-CCTT-C. GRCh37 (hg19) VCF-style: chrX-132833922-CCTT-C.
Other names: c.1164_1166delAAG (NM_004484.3); c.1230AAG[1], p.Arg412del (NM_001164617.2); c.1113AAG[1], p.Arg373del (NM_001164618.2); c.999AAG[1], p.Arg335del (NM_001164619.2); short protein forms R389del, R373del, R412del, R335del.
Identifiers: ClinVar variation 476642 (VCV000476642.9), dbSNP rs1556271258, ClinGen allele CA658659044.
Genomic context (GRCh38, chrX:133,699,894, plus strand): 5'-TTTGACCTTAAAATACAATTGTTAATTGTATTGTGGAATAAAGAAAAAAGAAACCTCTCA[CCTT>C]CTTCGGCTGGATAAGGTTTCTTCATGTTCTACATGAGCAACTTTTAATACTTTCTTGTCA-3'

ClinVar aggregate classification (germline): Uncertain significance (1 of 4 stars; one submission).

Conditions:
Wilms tumor 1 (WT1). Also called: Wilms tumor, somatic. Identifiers: Orphanet 654, MedGen CN033288, MONDO:0008679, OMIM 194070.

Submission:

Labcorp Genetics (formerly Invitae), Labcorp
Classification: Uncertain significance for Wilms tumor 1. Last evaluated: 2024-05-13. Review status: criteria provided, single submitter. Criteria: Invitae Variant Classification Sherloc (09022015). Collection method: clinical testing. Allele origin: germline.
Comment: This variant, c.1164_1166del, results in the deletion of 1 amino acid(s) of the GPC3 protein (p.Arg389del), but otherwise preserves the integrity of the reading frame. This variant is not present in population databases (gnomAD no frequency). This variant has not been reported in the literature in individuals affected with GPC3-related conditions. ClinVar contains an entry for this variant (Variation ID: 476642). Algorithms developed to predict the effect of sequence changes on RNA splicing suggest that this variant may disrupt the consensus splice site. In summary, the available evidence is currently insufficient to determine the role of this variant in disease. Therefore, it has been classified as a Variant of Uncertain Significance.